The following is an entry in ClinVar:

NM_000264.5(PTCH1):c.1316_1323dup (p.Val442fs)

Gene: PTCH1 (patched 1; minus strand). Cytogenetic location: 9q22.32.
Variant type: Duplication.
Coding change: c.1316_1323dup on transcript NM_000264.5 (MANE Select); coding-DNA positions 1316 to 1323, 8 bases duplicated (TCATCCGC; older notation c.1316_1323dupTCATCCGC).
Protein change: p.Val442fs; shifts the reading frame from valine 442.
Molecular consequence: frameshift variant. On other transcripts: non-coding transcript variant (1).
Genome position (GRCh38, 1-based): chr9:95,478,079-95,478,086, GCGGATGA duplicated on the plus strand (TCATCCGC on the coding strand, the reverse complement: PTCH1 is on the minus strand). VCF-style (leftmost placement, unchanged base first): chr9-95478078-C-CGCGGATGA. GRCh37 (hg19) VCF-style: chr9-98240360-C-CGCGGATGA.
Other names: c.1118_1125dup, p.Val376fs (NM_001083602.3); c.1313_1320dup, p.Val441fs (NM_001083603.3); c.863_870dup, p.Val291fs (NM_001083604.3, NM_001083605.3, NM_001083606.3 and 1 more transcripts); c.1316_1323dup, p.Val442fs (NM_001354918.2); short protein forms V376fs, V441fs, V291fs, V442fs.
Identifiers: ClinVar variation 3649904 (VCV003649904.2).

ClinVar aggregate classification (germline): Pathogenic (1 of 4 stars; one submission).

Conditions:
Gorlin syndrome. Also called: Nevoid Basal Cell Carcinoma Syndrome; Basal cell nevus syndrome. Identifiers: Orphanet 377, MedGen C0004779, MONDO:0007187.

Submission:

Labcorp Genetics (formerly Invitae), Labcorp
Classification: Pathogenic for Gorlin syndrome. Last evaluated: 2024-04-15. Review status: criteria provided, single submitter. Criteria: Invitae Variant Classification Sherloc (09022015). Collection method: clinical testing. Allele origin: germline.
Comment: This sequence change creates a premature translational stop signal (p.Val442Serfs*17) in the PTCH1 gene. It is expected to result in an absent or disrupted protein product. Loss-of-function variants in PTCH1 are known to be pathogenic (PMID: 16301862, 16419085). This variant is not present in population databases (gnomAD no frequency). This variant has not been reported in the literature in individuals affected with PTCH1-related conditions. For these reasons, this variant has been classified as Pathogenic.

Literature cited by the submitters: PubMed 16301862; PubMed 16419085.